The following is an entry in ClinVar:

NM_001042492.3(NF1):c.9del (p.His4fs)

Genes: MIR4733HG (MIR4733 host gene; minus strand), NF1 (neurofibromin 1; plus strand), LOC111811965 (NF1 (neurofibromin 1) promoter region; plus strand). Cytogenetic location: 17q11.2.
Variant type: Deletion.
Coding change: c.9del on transcript NM_001042492.3 (MANE Select); coding-DNA position 9, one base deleted (G; older notation c.9delG).
Protein change: p.His4fs; shifts the reading frame from histidine 4.
Molecular consequence: frameshift variant. On other transcripts: non-coding transcript variant (1).
Genome position (GRCh38, 1-based): chr17:31,095,318, G deleted. VCF-style (leftmost placement, unchanged base first): chr17-31095317-CG-C. GRCh37 (hg19) VCF-style: chr17-29422335-CG-C.
Other names: c.9delG, p.His4Thrfs (NM_000267.4); c.9del, p.His4fs (NM_001128147.3); short protein forms H4fs.
Identifiers: ClinVar variation 1072626 (VCV001072626.6), dbSNP rs2143144491, ClinGen allele CA2499223966.

ClinVar aggregate classification (germline): Pathogenic. Review status: criteria provided, multiple submitters, no conflicts (2 of 4 stars). 2 submissions from 2 submitters: Pathogenic (2). Last evaluated 2023-09-17.

Conditions:
Neurofibromatosis, type 1 (NF1). Also called: VON RECKLINGHAUSEN DISEASE; Peripheral type neurofibromatosis; NEUROFIBROMATOSIS, TYPE I, SOMATIC; Neurofibromatosis, type I. Identifiers: Orphanet 636, MedGen C0027831, MONDO:0018975, OMIM 162200. Disease mechanism: loss of function.

Submissions (2):

GeneDx
Classification: Pathogenic. Last evaluated: 2023-09-17. Review status: criteria provided, single submitter. Criteria: GeneDx Variant Classification Process June 2021. Collection method: clinical testing. Allele origin: germline. Affected: yes.
Comment: Frameshift variant predicted to result in protein truncation or nonsense mediated decay in a gene for which loss of function is a known mechanism of disease; Not observed at significant frequency in large population cohorts (gnomAD); Has not been previously published as pathogenic or benign to our knowledge; This variant is associated with the following publications: (PMID: 10712197, 23913538)

Labcorp Genetics (formerly Invitae), Labcorp
Classification: Pathogenic for Neurofibromatosis, type 1. Last evaluated: 2020-11-25. Review status: criteria provided, single submitter. Criteria: Invitae Variant Classification Sherloc (09022015). Collection method: clinical testing. Allele origin: germline.
Comment: For these reasons, this variant has been classified as Pathogenic. This variant has not been reported in the literature in individuals with NF1-related conditions. The frequency data for this variant in the population databases is considered unreliable, as metrics indicate insufficient coverage at this position in the ExAC database. This sequence change creates a premature translational stop signal (p.His4Thrfs*20) in the NF1 gene. It is expected to result in an absent or disrupted protein product. Loss-of-function variants in NF1 are known to be pathogenic (PMID: 10712197, 23913538).

Literature cited by the submitters: PubMed 10712197 (cited by Labcorp Genetics (formerly Invitae), Labcorp); PubMed 23913538 (cited by Labcorp Genetics (formerly Invitae), Labcorp).